The following is an entry in ClinVar:

NM_004341.5(CAD):c.527C>A (p.Pro176His)

Gene: CAD (carbamoyl-phosphate synthetase 2, aspartate transcarbamylase, and dihydroorotase; plus strand). Cytogenetic location: 2p23.3.
Variant type: single nucleotide variant.
Coding change: c.527C>A on transcript NM_004341.5 (MANE Select); coding-DNA position 527, C replaced by A.
Protein change: p.Pro176His; replaces proline 176 with histidine.
Molecular consequence: missense variant.
Genome position (GRCh38, 1-based): chr2:27,222,550, C>A. VCF-style: chr2-27222550-C-A. GRCh37 (hg19) VCF-style: chr2-27445418-C-A.
Other names: c.527C>A, p.Pro176His (NM_001306079.2); short protein forms P176H.
Identifiers: ClinVar variation 1481085 (VCV001481085.5), dbSNP rs1029121927, ClinGen allele CA346199563.

ClinVar aggregate classification (germline): Uncertain significance (1 of 4 stars; one submission).

Submission:

Labcorp Genetics (formerly Invitae), Labcorp
Classification: Uncertain significance. Last evaluated: 2021-08-28. Review status: criteria provided, single submitter. Criteria: Invitae Variant Classification Sherloc (09022015). Collection method: clinical testing. Allele origin: germline.
Comment: This sequence change replaces proline with histidine at codon 176 of the CAD protein (p.Pro176His). The proline residue is moderately conserved and there is a moderate physicochemical difference between proline and histidine. This variant is not present in population databases (ExAC no frequency). This variant has not been reported in the literature in individuals affected with CAD-related conditions. Algorithms developed to predict the effect of missense changes on protein structure and function are either unavailable or do not agree on the potential impact of this missense change (SIFT: "Tolerated"; PolyPhen-2: "Possibly Damaging"; Align-GVGD: "Class C0"). In summary, the available evidence is currently insufficient to determine the role of this variant in disease. Therefore, it has been classified as a Variant of Uncertain Significance.